The following is an entry in ClinVar:

ClinVar aggregate classification (germline): Pathogenic/Likely pathogenic. Review status: criteria provided, multiple submitters, no conflicts (2 of 4 stars). 7 submissions from 7 submitters: Pathogenic (2); Likely pathogenic (5). Last evaluated 2025-10-02.

Conditions:
Episodic ataxia type 2 (EA2). Also called: ATAXIA, EPISODIC, WITH NYSTAGMUS; ATAXIA, FAMILIAL PAROXYSMAL; CEREBELLAR ATAXIA, PAROXYSMAL, ACETAZOLAMIDE-RESPONSIVE; CEREBELLOPATHY, HEREDITARY PAROXYSMAL; EPISODIC ATAXIA, NYSTAGMUS-ASSOCIATED; ACETAZOLAMIDE-RESPONSIVE HEREDITARY PAROXYSMAL CEREBELLAR ATAXIA. Identifiers: Orphanet 97, MedGen C1720416, MONDO:0007163, OMIM 108500.
Developmental and epileptic encephalopathy, 42 (DEE42A). Also called: Epileptic encephalopathy, early infantile, 42; DEVELOPMENTAL AND EPILEPTIC ENCEPHALOPATHY 42A; EPILEPTIC ENCEPHALOPATHY, EARLY INFANTILE, 42A. Identifiers: MedGen C4310716, MONDO:0014917, OMIM 617106.
Spinocerebellar ataxia type 6 (SCA6). Identifiers: Orphanet 98758, MedGen C0752124, MONDO:0008457, OMIM 183086.

Allele frequency attached by ClinVar (database versions not stated): gnomAD exomes below 0.00001.
gnomAD v4.1: 1 of 1,607,434 alleles (0.000062%); highest among the groups gnomAD compares: East Asian, 0.0022%; no homozygotes.

Submissions (7):

Variantyx, Inc.
Classification: Likely pathogenic for Developmental and epileptic encephalopathy, 42. Last evaluated: 2025-10-02. Review status: criteria provided, single submitter. Criteria: Variantyx Assertion Criteria 2022. Collection method: clinical testing. Allele origin: germline. Inheritance: Autosomal dominant inheritance. Affected: yes.
Comment: This is a nonsynonymous variant in the CACNA1A gene (OMIM: 601011). Pathogenic variants in this gene have been associated with autosomal dominant developmental and epileptic encephalopathy 42. This variant has been reported in at least 2 unrelated affected individuals (PMID: 27871455, 25326637, 24486772) (PS4_Moderate and. it has been observed to segregate with disease in at least 5 individuals from one family (PMID: 27871455) (PP1). Multiple computational algorithms predict a deleterious effect for this variant (REVEL score: 0.965) (PP3), which has a 0.0028% maximum allele frequency in non-founder control populations (PM2). Based on the current evidence, this variant is classified as likely pathogenic for autosomal dominant developmental and epileptic encephalopathy 42.

Mayo Clinic Laboratories, Mayo Clinic
Classification: Pathogenic. Last evaluated: 2025-08-20. Review status: criteria provided, single submitter. Criteria: ACMG Guidelines, 2015. Collection method: clinical testing. Allele origin: germline. Observed: 1 variant allele.
Comment: PP1_strong, PP3_strong, PM2_supporting, PS4_moderate

Labcorp Genetics (formerly Invitae), Labcorp
Classification: Pathogenic for Developmental and epileptic encephalopathy, 42; Episodic ataxia type 2. Last evaluated: 2024-07-30. Review status: criteria provided, single submitter. Criteria: Invitae Variant Classification Sherloc (09022015). Collection method: clinical testing. Allele origin: germline.
Comment: This sequence change replaces aspartic acid, which is acidic and polar, with asparagine, which is neutral and polar, at codon 302 of the CACNA1A protein (p.Asp302Asn). This variant is not present in population databases (gnomAD no frequency). This missense change has been observed in individuals with episodic ataxia 2 (PMID: 24486772, 25326637, 27066515, 27871455). It has also been observed to segregate with disease in related individuals. ClinVar contains an entry for this variant (Variation ID: 216896). Advanced modeling of protein sequence and biophysical properties (such as structural, functional, and spatial information, amino acid conservation, physicochemical variation, residue mobility, and thermodynamic stability) performed at Invitae indicates that this missense variant is expected to disrupt CACNA1A protein function with a positive predictive value of 95%. For these reasons, this variant has been classified as Pathogenic.

CeGaT Center for Human Genetics Tuebingen
Classification: Likely pathogenic. Last evaluated: 2022-12-01. Review status: criteria provided, single submitter. Criteria: CeGaT Center For Human Genetics Tuebingen Variant Classification Criteria Version 2. Collection method: clinical testing. Allele origin: germline. Affected: yes. Observed: 1 variant allele.
Comment: CACNA1A: PM2, PP4:Moderate, PS4:Moderate, PP2, PP3

GeneDx
Classification: Likely pathogenic. Last evaluated: 2022-02-01. Review status: criteria provided, single submitter. Criteria: GeneDx Variant Classification Process June 2021. Collection method: clinical testing. Allele origin: germline. Affected: yes.
Comment: Not observed at significant frequency in large population cohorts (gnomAD); Reported in ClinVar but additional evidence is not available (ClinVar Variant ID# 216896); This variant is associated with the following publications: (PMID: 27066515, 25326637, 27871455, 24486772)

UCLA Clinical Genomics Center, UCLA
Classification: Likely pathogenic for Spinocerebellar ataxia 6; Episodic ataxia type 2. Last evaluated: 2014-09-09. Review status: criteria provided, single submitter. Criteria: Lee et al. (JAMA. 2014). Collection method: clinical testing. Allele origin: unknown. Inheritance: Autosomal dominant inheritance. Affected: yes. Study: CES.

Laboratoire de Génétique Moléculaire, CHU Bordeaux
Classification: Likely pathogenic. Review status: criteria provided, single submitter. Criteria: ACMG Guidelines, 2015. Collection method: clinical testing. Allele origin: germline. Affected: yes.

Literature cited by the submitters: PubMed 27871455 (cited by 3 submitters); PubMed 25326637 (cited by 3 submitters); PubMed 24486772 (cited by 3 submitters); PubMed 27066515 (cited by Mayo Clinic Laboratories, Mayo Clinic and Labcorp Genetics (formerly Invitae), Labcorp); PubMed 34926809 (cited by Mayo Clinic Laboratories, Mayo Clinic); PubMed 37422902 (cited by Mayo Clinic Laboratories, Mayo Clinic).

NM_001127222.2(CACNA1A):c.904G>A (p.Asp302Asn)

Gene: CACNA1A (calcium voltage-gated channel subunit alpha1 A; minus strand). Cytogenetic location: 19p13.13.
Variant type: single nucleotide variant.
Coding change: c.904G>A on transcript NM_001127222.2 (MANE Select); coding-DNA position 904, G replaced by A.
Protein change: p.Asp302Asn; replaces aspartic acid 302 with asparagine.
Molecular consequence: missense variant.
Genome position (GRCh38, 1-based): chr19:13,359,680, C>T on the plus strand (G>A on the coding strand, the complement: CACNA1A is on the minus strand). VCF-style: chr19-13359680-C-T. GRCh37 (hg19) VCF-style: chr19-13470494-C-T.
Other names: p.Asp302Asn; c.904G>A, p.Asp302Asn (NM_000068.4, NM_001127221.2, NM_001174080.2 and 1 more transcripts); short protein forms D302N.
Identifiers: ClinVar variation 216896 (VCV000216896.44), dbSNP rs863224852, ClinGen allele CA278969.